The following is an entry in ClinVar:

NM_001042492.3(NF1):c.1290dup (p.Ala431fs)

Gene: NF1 (neurofibromin 1; plus strand). Cytogenetic location: 17q11.2.
Variant type: Duplication.
Coding change: c.1290dup on transcript NM_001042492.3 (MANE Select); coding-DNA position 1290, one base duplicated (T; older notation c.1290dupT).
Protein change: p.Ala431fs; shifts the reading frame from alanine 431.
Molecular consequence: frameshift variant.
Genome position (GRCh38, 1-based): chr17:31,206,269, T duplicated. VCF-style (leftmost placement, unchanged base first): chr17-31206268-A-AT. GRCh37 (hg19) VCF-style: chr17-29533286-A-AT.
Other names: c.1290dup, p.Ala431Cysfs (NM_000267.4); c.1290dup, p.Ala431fs (NM_001128147.3); short protein forms A431fs.
Identifiers: ClinVar variation 3724503 (VCV003724503.2).

ClinVar aggregate classification (germline): Pathogenic (1 of 4 stars; one submission).

Conditions:
Neurofibromatosis, type 1 (NF1). Also called: VON RECKLINGHAUSEN DISEASE; NEUROFIBROMATOSIS, TYPE I, SOMATIC; Peripheral type neurofibromatosis; Neurofibromatosis, type I. Identifiers: Orphanet 636, MedGen C0027831, MONDO:0018975, OMIM 162200. Disease mechanism: loss of function.

Submission:

Labcorp Genetics (formerly Invitae), Labcorp
Classification: Pathogenic for Neurofibromatosis, type 1. Last evaluated: 2024-11-03. Review status: criteria provided, single submitter. Criteria: Invitae Variant Classification Sherloc (09022015). Collection method: clinical testing. Allele origin: germline.
Comment: This sequence change creates a premature translational stop signal (p.Ala431Cysfs*8) in the NF1 gene. It is expected to result in an absent or disrupted protein product. Loss-of-function variants in NF1 are known to be pathogenic (PMID: 10712197, 23913538). This variant is not present in population databases (gnomAD no frequency). This variant has not been reported in the literature in individuals affected with NF1-related conditions. For these reasons, this variant has been classified as Pathogenic.

Literature cited by the submitters: PubMed 10712197; PubMed 23913538.